The following is an entry in ClinVar:

ClinVar aggregate classification (germline): Conflicting classifications of pathogenicity. Review status: criteria provided, conflicting classifications (1 of 4 stars). 4 submissions from 4 submitters: Likely pathogenic (2); Uncertain significance (2). Last evaluated 2024-10-11.

Conditions:
Arrhythmogenic right ventricular dysplasia 10. Also called: ARRHYTHMOGENIC RIGHT VENTRICULAR DYSPLASIA, FAMILIAL, 10; Arrhythmogenic right ventricular dysplasia/cardiomyopathy, type 10; Arrhythmogenic Right Ventricular Dysplasia/Cardiomyopathy10. Identifiers: MedGen C1857777, MONDO:0012434, OMIM 610193.
Cardiomyopathy (CMYO). Also called: Cardiomyopathies. Identifiers: Orphanet 167848, MedGen C0878544, MONDO:0004994, HP:0001638. Inheritance: Various modes of inheritance.

Allele frequency attached by ClinVar (database versions not stated): gnomAD exomes below 0.00001.

Submissions (4):

Blueprint Genetics
Classification: Uncertain significance. Last evaluated: 2024-10-11. Review status: criteria provided, single submitter. Criteria: ACMG Guidelines, 2015. Collection method: clinical testing. Allele origin: germline.

Victorian Clinical Genetics Services, Murdoch Childrens Research Institute
Classification: Uncertain significance for Arrhythmogenic right ventricular dysplasia 10. Last evaluated: 2024-10-09. Review status: criteria provided, single submitter. Criteria: ACMG Guidelines, 2015. Collection method: clinical testing. Allele origin: germline. Inheritance: Autosomal dominant inheritance. Affected: yes.
Comment: Based on the classification scheme VCGS_Germline_v1.3.4, this variant is classified as a VUS-3A. Following criteria are met: 0102 - Loss of function is a known mechanism of disease in this gene and is associated with arrhythmogenic right ventricular dysplasia 10 (ARVC) (MIM#610193) and dilated cardiomyopathy, 1BB (DCM) (MIM#612877). A single variant has been reported with a gain of function mechanism (PMID: 23071725). (I) 0107 - This gene is associated with autosomal dominant disease. It is commonly associated to dominant inheritance for arrhythmogenic right ventricular dysplasia 10 (MIM#610193), however recessive inheritance has been reported for dilated cardiomyopathy 1BB (MIM#612877) (OMIM). (I) 0112 - The condition associated with this gene has incomplete penetrance. Patients with variants causing ARVC have been reported with a penetrance of 58-75% (OMIM). (I) 0205 - Variant is predicted to result in a truncated protein (PTV) (premature termination codon is NOT located at least 54 nucleotides upstream of the final exon-exon junction) with less than 1/3 of the protein sequence affected. (SP) 0251 - This variant is heterozygous. (I) 0301 - Variant is absent from gnomAD (both v2 and v3). (SP) 0601 - Variant affects the well-established functional C-terminal region. Functional studies have demonstrated that deletion of this region results in protein insolubility and mislocalization (PMID: 23128240). (SP) 0702 - Other PTVs comparable to the one identified in this case have strong previous evidence for pathogenicity. These variants have been reported as VUS, likely pathogenic and pathogenic (ClinVar). They have also been consistently identified in heterozygous patients and families with arrhythmogenic right ventricular dysplasia, and regarded as putative and likely pathogenic (PMID: 21397041, 20864495, 26296472, 26743238, 23810883). (SP) 0808 - Previous evidence of pathogenicity for this variant are conflicting. This variant has been classified as likely pathogenic in ClinVar. It has also been observed in two individuals, one with ARVC and classified as a VUS (Shariant) and another with no clinical features of ARVC, and was regarded as a secondary finding (PMID: 31130284). (I) 0905 - No published segregation evidence has been identified for this variant. (I) 1007 - No published functional evidence has been identified for this variant. (I) Legend: (SP) - Supporting pathogenic, (I) - Information, (SB) - Supporting benign

CHEO Genetics Diagnostic Laboratory, Children's Hospital of Eastern Ontario
Classification: Likely pathogenic for Cardiomyopathy. Last evaluated: 2022-05-25. Review status: criteria provided, single submitter. Criteria: ACMG Guidelines, 2015. Collection method: clinical testing. Allele origin: germline.

CeGaT Center for Human Genetics Tuebingen
Classification: Likely pathogenic. Last evaluated: 2019-08-01. Review status: criteria provided, single submitter. Criteria: CeGaT Center For Human Genetics Tuebingen Variant Classification Criteria Version 2. Collection method: clinical testing. Allele origin: germline. Affected: yes. Observed: 1 variant allele.

Literature cited by the submitters: PubMed 20864495 (cited by Victorian Clinical Genetics Services, Murdoch Childrens Research Institute); PubMed 21397041 (cited by Victorian Clinical Genetics Services, Murdoch Childrens Research Institute); PubMed 23071725 (cited by Victorian Clinical Genetics Services, Murdoch Childrens Research Institute); PubMed 23128240 (cited by Victorian Clinical Genetics Services, Murdoch Childrens Research Institute); PubMed 23810883 (cited by Victorian Clinical Genetics Services, Murdoch Childrens Research Institute); PubMed 26296472 (cited by Victorian Clinical Genetics Services, Murdoch Childrens Research Institute); PubMed 26743238 (cited by Victorian Clinical Genetics Services, Murdoch Childrens Research Institute); PubMed 31130284 (cited by Victorian Clinical Genetics Services, Murdoch Childrens Research Institute).

NM_001943.5(DSG2):c.3036_3037insG (p.Tyr1013fs)

Genes: DSG2 (desmoglein 2; plus strand), DSG2-AS1 (DSG2 antisense RNA 1; minus strand). Cytogenetic location: 18q12.1.
Variant type: Insertion.
Coding change: c.3036_3037insG on transcript NM_001943.5 (MANE Select); coding-DNA positions 3036 to 3037, G inserted.
Protein change: p.Tyr1013fs; shifts the reading frame from tyrosine 1013.
Molecular consequence: frameshift variant.
Genome position: GRCh38 VCF-style: chr18-31546422-T-TG. GRCh37 (hg19) VCF-style: chr18-29126385-T-TG.
Other names: c.3036_3037insG (NM_001943.3); short protein forms Y1013fs.
Identifiers: ClinVar variation 870737 (VCV000870737.45), dbSNP rs2073310848, ClinGen allele CA1139666013.